The following is an entry in ClinVar:

ClinVar aggregate classification (germline): Pathogenic (1 of 4 stars; one submission).

Submission:

Labcorp Genetics (formerly Invitae), Labcorp
Classification: Pathogenic. Last evaluated: 2022-12-22. Review status: criteria provided, single submitter. Criteria: Invitae Variant Classification Sherloc (09022015). Collection method: clinical testing. Allele origin: germline.
Comment: This sequence change creates a premature translational stop signal (p.Thr39Glnfs*3) in the NR2E3 gene. It is expected to result in an absent or disrupted protein product. Loss-of-function variants in NR2E3 are known to be pathogenic (PMID: 15459973, 27522502). This variant is not present in population databases (gnomAD no frequency). This variant has not been reported in the literature in individuals affected with NR2E3-related conditions. For these reasons, this variant has been classified as Pathogenic.

Literature cited by the submitters: PubMed 15459973; PubMed 27522502.

NM_014249.4(NR2E3):c.114del (p.Thr39fs)

Gene: NR2E3 (nuclear receptor subfamily 2 group E member 3; plus strand). Cytogenetic location: 15q23.
Variant type: Deletion.
Coding change: c.114del on transcript NM_014249.4 (MANE Select); coding-DNA position 114, one base deleted (C; older notation c.114delC).
Protein change: p.Thr39fs; shifts the reading frame from threonine 39.
Molecular consequence: frameshift variant.
Genome position (GRCh38, 1-based): chr15:71,810,857, C deleted; the last of 3 consecutive C bases (chr15:71,810,855-71,810,857); deleting any one gives the same sequence. VCF-style (leftmost placement, unchanged base first): chr15-71810854-TC-T. GRCh37 (hg19) VCF-style: chr15-72103194-TC-T.
Other names: c.114del, p.Thr39fs (NM_016346.4); short protein forms T39fs.
Identifiers: ClinVar variation 2823175 (VCV002823175.3), dbSNP rs2543252284, ClinGen allele CA2629291235.